The following is an entry in ClinVar:

NM_006521.6(TFE3):c.414C>T (p.Ala138=)

Gene: TFE3 (transcription factor binding to IGHM enhancer 3; minus strand). Cytogenetic location: Xp11.23.
Variant type: single nucleotide variant.
Coding change: c.414C>T on transcript NM_006521.6 (MANE Select); coding-DNA position 414, C replaced by T.
Protein change: p.Ala138=; no amino-acid change (alanine 138 retained).
Molecular consequence: synonymous variant.
Genome position (GRCh38, 1-based): chrX:49,039,227, G>A on the plus strand (C>T on the coding strand, the complement: TFE3 is on the minus strand). VCF-style: chrX-49039227-G-A. GRCh37 (hg19) VCF-style: chrX-48896752-G-A.
Other names: c.99C>T, p.Ala33= (NM_001282142.2).
Identifiers: ClinVar variation 2660506 (VCV002660506.24), dbSNP rs372564649, ClinGen allele CA10407816.

ClinVar aggregate classification (germline): Likely benign (1 of 4 stars; one submission).

Allele frequency attached by ClinVar (database versions not stated): TOPMed 0.00006.
gnomAD v4.1: 77 of 1,204,706 alleles (0.0064%); highest among the groups gnomAD compares: East Asian, 0.018%; no homozygotes.

Submission:

CeGaT Center for Human Genetics Tuebingen
Classification: Likely benign. Last evaluated: 2023-03-01. Review status: criteria provided, single submitter. Criteria: CeGaT Center For Human Genetics Tuebingen Variant Classification Criteria Version 2. Collection method: clinical testing. Allele origin: germline. Affected: yes. Observed: 1 variant allele.
Comment: TFE3: BP4, BP7, BS2